The following is an entry in ClinVar:

NM_176787.5(PIGN):c.457C>T (p.His153Tyr)

Gene: PIGN (phosphatidylinositol glycan anchor biosynthesis class N; minus strand). Cytogenetic location: 18q21.33.
Variant type: single nucleotide variant.
Coding change: c.457C>T on transcript NM_176787.5 (MANE Select); coding-DNA position 457, C replaced by T.
Protein change: p.His153Tyr; replaces histidine 153 with tyrosine.
Molecular consequence: missense variant.
Genome position (GRCh38, 1-based): chr18:62,154,637, G>A on the plus strand (C>T on the coding strand, the complement: PIGN is on the minus strand). VCF-style: chr18-62154637-G-A. GRCh37 (hg19) VCF-style: chr18-59821870-G-A.
Other names: c.457C>T, p.His153Tyr (NM_012327.6); short protein forms H153Y.
Identifiers: ClinVar variation 1370845 (VCV001370845.5), dbSNP rs1358106061, ClinGen allele CA402602909.
Genomic context (GRCh38, chr18:62,154,637, plus strand): 5'-TTGTTGCATCTTGAGCACCAAAATCCTCTCTTTTAGCATCATAACTATATGTATAAACGT[G>A]GTCTCCACTAGCACCTGAAAAGAAAATTTGGAAAAAATAATCTTTTTACAAAATCTTTTA-3'
Protein context (NP_789744.1, residues 143-163): PMFAKGASGD[His153Tyr]VYTYSYDAKR

ClinVar aggregate classification (germline): Uncertain significance (1 of 4 stars; one submission).

Conditions:
Multiple congenital anomalies-hypotonia-seizures syndrome 1 (MCAHS1). Also called: PIGN-CDG; Congenital disorder of glycosylation due to PIGN deficiency; GLYCOSYLPHOSPHATIDYLINOSITOL BIOSYNTHESIS DEFECT 3. Identifiers: Orphanet 280633, MedGen C3279775, MONDO:0013563, OMIM 614080.

Allele frequency attached by ClinVar (database versions not stated): gnomAD exomes below 0.00001; TOPMed below 0.00001.
gnomAD v4.1: 1 of 1,518,468 alleles (0.000066%); highest among the groups gnomAD compares: Non-Finnish European, 0.000091%; no homozygotes.

Submission:

Labcorp Genetics (formerly Invitae), Labcorp
Classification: Uncertain significance for Multiple congenital anomalies-hypotonia-seizures syndrome 1. Last evaluated: 2021-09-24. Review status: criteria provided, single submitter. Criteria: Invitae Variant Classification Sherloc (09022015). Collection method: clinical testing. Allele origin: germline.
Comment: This sequence change replaces histidine with tyrosine at codon 153 of the PIGN protein (p.His153Tyr). The histidine residue is moderately conserved and there is a moderate physicochemical difference between histidine and tyrosine. This variant is not present in population databases (ExAC no frequency). This variant has not been reported in the literature in individuals with PIGN-related conditions. Algorithms developed to predict the effect of missense changes on protein structure and function are either unavailable or do not agree on the potential impact of this missense change (SIFT: "Not Available"; PolyPhen-2: "Benign"; Align-GVGD: "Not Available"). In summary, the available evidence is currently insufficient to determine the role of this variant in disease. Therefore, it has been classified as a Variant of Uncertain Significance.